The following is an entry in ClinVar:

ClinVar aggregate classification (germline): Benign/Likely benign. Review status: criteria provided, multiple submitters, no conflicts (2 of 4 stars). 7 submissions from 7 submitters: Benign (3); Likely benign (3). 1 of the submissions does not count toward it. Last evaluated 2026-02-01.

Conditions:
Usher syndrome type 1C. Also called: USHER SYNDROME, TYPE I, ACADIAN VARIETY. Identifiers: Orphanet 231169, Orphanet 886, MedGen C1848604, MONDO:0010171, OMIM 276904.

Allele frequency attached by ClinVar (database versions not stated): gnomAD exomes 0.00059 and 0.00155; ExAC 0.00182; gnomAD 0.00489 and 0.00524; ESP Exome Variant Server 0.00501; TOPMed 0.00565; 1000 Genomes Project 30x 0.00593; 1000 Genomes Project 0.00659.
gnomAD v4.1: 1,678 of 1,613,556 alleles (0.1%); highest among the groups gnomAD compares: African/African-American, 1.7%; 16 homozygotes.

Submissions (7):

Labcorp Genetics (formerly Invitae), Labcorp
Classification: Benign. Last evaluated: 2026-02-01. Review status: criteria provided, single submitter. Criteria: Invitae Variant Classification Sherloc (09022015). Collection method: clinical testing. Allele origin: germline.

Genomic Medicine Center of Excellence, King Faisal Specialist Hospital and Research Centre
Classification: Likely benign. Last evaluated: 2025-08-18. Review status: criteria provided, single submitter. Criteria: ACMG Guidelines, 2015. Collection method: clinical testing. Allele origin: germline.

GeneDx
Classification: Benign. Last evaluated: 2019-04-23. Review status: criteria provided, single submitter. Criteria: GeneDx Variant Classification Process June 2021. Collection method: clinical testing. Allele origin: germline. Affected: yes.
Comment: This variant is associated with the following publications: (PMID: 24498627)

Illumina Laboratory Services, Illumina
Classification: Likely benign for Usher syndrome type 1C. Last evaluated: 2017-04-27. Review status: criteria provided, single submitter. Criteria: ICSL Variant Classification Criteria 13 December 2019. Collection method: clinical testing. Allele origin: germline.
Comment: This variant was observed as part of a predisposition screen in an ostensibly healthy population. A literature search was performed for the gene, cDNA change, and amino acid change (where applicable). Publications were found based on this search. The evidence from the literature, in combination with allele frequency data from public databases where available, was sufficient to determine this variant is unlikely to cause disease. Therefore, this variant is classified as likely benign.

Laboratory for Molecular Medicine, Mass General Brigham Personalized Medicine
Classification: Benign. Last evaluated: 2012-05-15. Review status: criteria provided, single submitter. Criteria: LMM Criteria. Collection method: clinical testing. Allele origin: germline. Observed: 11 variant alleles.
Comment: His34Arg in Exon 02 of USH1C: This variant is not expected to have clinical sign ificance because it has been identified in 1.5% (57/3738) of African American ch romosomes from a broad population by the NHLBI Exome Sequencing Project (dbSNP rs75157409).

Breakthrough Genomics
Classification: Likely benign. Review status: criteria provided, single submitter. Criteria: ACMG Guidelines, 2015. Collection method: not provided. Allele origin: germline. Inheritance: Autosomal recessive inheritance. Affected: yes.

Natera, Inc.
Classification: Likely benign for Usher syndrome type 1C. Last evaluated: 2019-12-11. Review status: no assertion criteria provided. Collection method: clinical testing. Allele origin: germline. Not counted in ClinVar's aggregate classification.

Literature cited by the submitters: PubMed 24498627 (cited by Illumina Laboratory Services, Illumina).

NM_153676.4(USH1C):c.101A>G (p.His34Arg)

Gene: USH1C (USH1 protein network component harmonin; minus strand). Cytogenetic location: 11p15.1.
Variant type: single nucleotide variant.
Coding change: c.101A>G on transcript NM_153676.4 (MANE Select); coding-DNA position 101, A replaced by G.
Protein change: p.His34Arg; replaces histidine 34 with arginine.
Molecular consequence: missense variant. On other transcripts: non-coding transcript variant (1).
Genome position (GRCh38, 1-based): chr11:17,533,258, T>C on the plus strand (A>G on the coding strand, the complement: USH1C is on the minus strand). VCF-style: chr11-17533258-T-C. GRCh37 (hg19) VCF-style: chr11-17554805-T-C.
Other names: c.101A>G, p.His34Arg (NM_001297764.2, NM_005709.4); short protein forms H34R.
Identifiers: ClinVar variation 47971 (VCV000047971.25), dbSNP rs75157409, ClinGen allele CA142283.